The following is an entry in ClinVar:

NM_030665.4(RAI1):c.2726A>G (p.Asp909Gly)

Gene: RAI1 (retinoic acid induced 1; plus strand). Cytogenetic location: 17p11.2.
Variant type: single nucleotide variant.
Coding change: c.2726A>G on transcript NM_030665.4 (MANE Select); coding-DNA position 2726, A replaced by G.
Protein change: p.Asp909Gly; replaces aspartic acid 909 with glycine.
Molecular consequence: missense variant.
Genome position (GRCh38, 1-based): chr17:17,795,674, A>G. VCF-style: chr17-17795674-A-G. GRCh37 (hg19) VCF-style: chr17-17698988-A-G.
Other names: c.2726A>G (NM_030665.3); short protein forms D909G.
Identifiers: ClinVar variation 1623085 (VCV001623085.10), dbSNP rs201527116, ClinGen allele CA8418595.
Genomic context (GRCh38, chr17:17,795,674, plus strand): 5'-ACCCGCTGTCACCCAAGGCCCCACTCATCTGCACCAAGGAGGAGGTGGAGGAGGTGCTGG[A>G]CTCCAAGGCCGGCTGGGGCTCTCCGTGCCACCTCTCAGGGGAGTCCGTCATCCTGCTGGG-3'
Protein context (NP_109590.3, residues 899-919): CTKEEVEEVL[Asp909Gly]SKAGWGSPCH

ClinVar aggregate classification (germline): Likely benign. Review status: criteria provided, single submitter (1 of 4 stars). 2 submissions from 2 submitters: Likely benign (1). 1 of the submissions does not count toward it. Last evaluated 2025-08-17.

Conditions:
RAI1-related disorder. Also called: RAI1-related condition.

Allele frequency attached by ClinVar (database versions not stated): TOPMed 0.00004; gnomAD 0.00007 and 0.00006; ExAC 0.00004; gnomAD exomes 0.00010.
gnomAD v4.1: 70 of 1,613,028 alleles (0.0043%); highest among the groups gnomAD compares: Admixed American, 0.015%; no homozygotes.

Submissions (2):

Labcorp Genetics (formerly Invitae), Labcorp
Classification: Likely benign. Last evaluated: 2025-08-17. Review status: criteria provided, single submitter. Criteria: Invitae Variant Classification Sherloc (09022015). Collection method: clinical testing. Allele origin: germline.

PreventionGenetics, part of Exact Sciences
Classification: Likely benign for RAI1-related condition. Last evaluated: 2020-10-01. Review status: no assertion criteria provided. Collection method: clinical testing. Allele origin: germline. Not counted in ClinVar's aggregate classification.
Comment: This variant is classified as likely benign based on ACMG/AMP sequence variant interpretation guidelines (Richards et al. 2015 PMID: 25741868, with internal and published modifications).